The following is an entry in ClinVar:

ClinVar aggregate classification (germline): Uncertain significance. Review status: criteria provided, multiple submitters, no conflicts (2 of 4 stars). 2 submissions from 2 submitters: Uncertain significance (2). Last evaluated 2025-11-09.

Conditions:
Cardiovascular phenotype. Identifiers: MedGen CN230736.

Allele frequency attached by ClinVar (database versions not stated): TOPMed below 0.00001; ExAC 0.00001; gnomAD 0.00001; gnomAD exomes below 0.00001.
gnomAD v4.1: 3 of 1,614,010 alleles (0.00019%); highest among the groups gnomAD compares: African/African-American, 0.0013%; no homozygotes.

Submissions (2):

Labcorp Genetics (formerly Invitae), Labcorp
Classification: Uncertain significance. Last evaluated: 2025-11-09. Review status: criteria provided, single submitter. Criteria: Invitae Variant Classification Sherloc (09022015). Collection method: clinical testing. Allele origin: germline.
Comment: This sequence change replaces isoleucine, which is neutral and non-polar, with phenylalanine, which is neutral and non-polar, at codon 1631 of the ALPK3 protein (p.Ile1631Phe). This variant is present in population databases (rs780451630, gnomAD 0.007%). This variant has not been reported in the literature in individuals affected with ALPK3-related conditions. ClinVar contains an entry for this variant (Variation ID: 2021306). Invitae Evidence Modeling of protein sequence and biophysical properties (such as structural, functional, and spatial information, amino acid conservation, physicochemical variation, residue mobility, and thermodynamic stability) indicates that this missense variant is expected to disrupt ALPK3 protein function with a positive predictive value of 80%. In summary, the available evidence is currently insufficient to determine the role of this variant in disease. Therefore, it has been classified as a Variant of Uncertain Significance.

Ambry Genetics
Classification: Uncertain significance for Cardiovascular phenotype. Last evaluated: 2024-07-29. Review status: criteria provided, single submitter. Criteria: Ambry Variant Classification Scheme 2023. Collection method: clinical testing. Allele origin: germline.
Comment: The p.I1631F variant (also known as c.4891A>T), located in coding exon 10 of the ALPK3 gene, results from an A to T substitution at nucleotide position 4891. The isoleucine at codon 1631 is replaced by phenylalanine, an amino acid with highly similar properties. This amino acid position is highly conserved in available vertebrate species. In addition, this alteration is predicted to be tolerated by in silico analysis. Based on the available evidence, the clinical significance of this variant remains unclear.

NM_020778.5(ALPK3):c.4285A>T (p.Ile1429Phe)

Gene: ALPK3 (alpha kinase 3; plus strand). Cytogenetic location: 15q25.3.
Variant type: single nucleotide variant.
Coding change: c.4285A>T on transcript NM_020778.5 (MANE Select); coding-DNA position 4285, A replaced by T.
Protein change: p.Ile1429Phe; replaces isoleucine 1429 with phenylalanine.
Molecular consequence: missense variant.
Genome position (GRCh38, 1-based): chr15:84,862,790, A>T. VCF-style: chr15-84862790-A-T. GRCh37 (hg19) VCF-style: chr15-85406021-A-T.
Other names: c.4891A>T (NM_020778.4); short protein forms I1429F.
Identifiers: ClinVar variation 2021306 (VCV002021306.5), dbSNP rs780451630, ClinGen allele CA7709913.